The following is an entry in ClinVar:

ClinVar aggregate classification (germline): Uncertain significance. Review status: criteria provided, single submitter (1 of 4 stars). 2 submissions from 2 submitters: Uncertain significance (1). 1 of the submissions does not count toward it. Last evaluated 2021-10-06.

Conditions:
ZFHX2-related disorder. Also called: ZFHX2-related condition.

Allele frequency attached by ClinVar (database versions not stated): 1000 Genomes Project 0.00020; ExAC 0.00030; 1000 Genomes Project 30x 0.00031; gnomAD 0.00037; gnomAD exomes 0.00037; TOPMed 0.00067.
gnomAD v4.1: 524 of 1,418,214 alleles (0.037%); highest among the groups gnomAD compares: Admixed American, 0.091%; 2 homozygotes.

Submissions (2):

Ambry Genetics
Classification: Uncertain significance. Last evaluated: 2021-10-06. Review status: criteria provided, single submitter. Criteria: Ambry Variant Classification Scheme 2023. Collection method: clinical testing. Allele origin: germline.

PreventionGenetics, part of Exact Sciences
Classification: Likely benign for ZFHX2-related condition. Last evaluated: 2019-03-20. Review status: no assertion criteria provided. Collection method: clinical testing. Allele origin: germline. Not counted in ClinVar's aggregate classification.
Comment: This variant is classified as likely benign based on ACMG/AMP sequence variant interpretation guidelines (Richards et al. 2015 PMID: 25741868, with internal and published modifications).

NM_033400.3(ZFHX2):c.2792G>A (p.Arg931Gln)

Genes: THTPA (thiamine triphosphatase; plus strand), ZFHX2 (zinc finger homeobox 2; minus strand). Cytogenetic location: 14q11.2.
Variant type: single nucleotide variant.
Coding change: c.2792G>A on transcript NM_033400.3 (MANE Select); coding-DNA position 2792, G replaced by A.
Protein change: p.Arg931Gln; replaces arginine 931 with glutamine.
Molecular consequence: missense variant.
Genome position (GRCh38, 1-based): chr14:23,531,489, C>T on the plus strand (G>A on the coding strand, the complement: ZFHX2 is on the minus strand). VCF-style: chr14-23531489-C-T. GRCh37 (hg19) VCF-style: chr14-24000698-C-T.
Other names: short protein forms R931Q.
Identifiers: ClinVar variation 2356039 (VCV002356039.4), dbSNP rs548580249, ClinGen allele CA7117045.